The following is an entry in ClinVar:

NM_206943.4(LTBP1):c.4065C>T (p.Asp1355=)

Gene: LTBP1 (latent transforming growth factor beta binding protein 1; plus strand). Cytogenetic location: 2p22.3.
Variant type: single nucleotide variant.
Coding change: c.4065C>T on transcript NM_206943.4 (MANE Select); coding-DNA position 4065, C replaced by T.
Protein change: p.Asp1355=; no amino-acid change (aspartic acid 1355 retained).
Molecular consequence: synonymous variant.
Genome position (GRCh38, 1-based): chr2:33,360,661, C>T. VCF-style: chr2-33360661-C-T. GRCh37 (hg19) VCF-style: chr2-33585728-C-T.
Other names: c.3087C>T, p.Asp1029= (NM_000627.4); c.2961C>T, p.Asp987= (NM_001166264.2, NM_001394909.1); c.2928C>T, p.Asp976= (NM_001166265.2); c.2802C>T, p.Asp934= (NM_001166266.2, NM_001394920.1); c.3906C>T, p.Asp1302= (NM_001394905.1); c.3084C>T, p.Asp1028= (NM_001394906.1); c.3000C>T, p.Asp1000= (NM_001394907.1); c.2967C>T, p.Asp989= (NM_001394908.1); and 13 more.
Identifiers: ClinVar variation 4821472 (VCV004821472.4).

ClinVar aggregate classification (germline): Likely benign (1 of 4 stars; one submission).

gnomAD v4.1: 65 of 1,613,480 alleles (0.004%); highest among the groups gnomAD compares: South Asian, 0.0077%; no homozygotes.

Submission:

CeGaT Center for Human Genetics Tuebingen
Classification: Likely benign. Last evaluated: 2026-01-01. Review status: criteria provided, single submitter. Criteria: CeGaT Center For Human Genetics Tuebingen Variant Classification Criteria Version 2. Collection method: clinical testing. Allele origin: germline. Affected: yes. Observed: 1 variant allele.
Comment: LTBP1: BP4, BP7